The following is an entry in ClinVar:

ClinVar aggregate classification (germline): Uncertain significance (1 of 4 stars; one submission).

gnomAD v4.1: 1 of 1,211,541 alleles (0.000083%); highest among the groups gnomAD compares: Non-Finnish European, 0.00011%; no homozygotes.

Submission:

Labcorp Genetics (formerly Invitae), Labcorp
Classification: Uncertain significance. Last evaluated: 2025-12-30. Review status: criteria provided, single submitter. Criteria: Invitae Variant Classification Sherloc (09022015). Collection method: clinical testing. Allele origin: germline.
Comment: This sequence change replaces alanine, which is neutral and non-polar, with glutamic acid, which is acidic and polar, at codon 205 of the DRP2 protein (p.Ala205Glu). This variant is not present in population databases (gnomAD no frequency). This variant has not been reported in the literature in individuals affected with DRP2-related conditions. Invitae Evidence Modeling of protein sequence and biophysical properties (such as structural, functional, and spatial information, amino acid conservation, physicochemical variation, residue mobility, and thermodynamic stability) indicates that this missense variant is not expected to disrupt DRP2 protein function with a negative predictive value of 80%. In summary, the available evidence is currently insufficient to determine the role of this variant in disease. Therefore, it has been classified as a Variant of Uncertain Significance.

NM_001939.3(DRP2):c.614C>A (p.Ala205Glu)

Gene: DRP2 (dystrophin related protein 2; plus strand). Cytogenetic location: Xq22.1.
Variant type: single nucleotide variant.
Coding change: c.614C>A on transcript NM_001939.3 (MANE Select); coding-DNA position 614, C replaced by A.
Protein change: p.Ala205Glu; replaces alanine 205 with glutamic acid.
Molecular consequence: missense variant.
Genome position (GRCh38, 1-based): chrX:101,241,722, C>A. VCF-style: chrX-101241722-C-A. GRCh37 (hg19) VCF-style: chrX-100496711-C-A.
Other names: c.380C>A, p.Ala127Glu (NM_001171184.2); short protein forms A127E, A205E.
Identifiers: ClinVar variation 4771751 (VCV004771751.1).